The following is an entry in ClinVar:

NM_033380.3(COL4A5):c.991-14A>G

Gene: COL4A5 (collagen type IV alpha 5 chain; plus strand). Cytogenetic location: Xq22.3.
Variant type: single nucleotide variant.
Coding change: c.991-14A>G on transcript NM_033380.3 (MANE Select); 14 bases into the intron before coding-DNA position 991, A replaced by G.
Molecular consequence: intron variant.
Genome position (GRCh38, 1-based): chrX:108,584,470, A>G. VCF-style: chrX-108584470-A-G. GRCh37 (hg19) VCF-style: chrX-107827700-A-G.
Other names: c.991-14A>G (NM_000495.5).
Identifiers: ClinVar variation 1484602 (VCV001484602.8), dbSNP rs2147784234, ClinGen allele CA2573159083.

ClinVar aggregate classification (germline): Likely pathogenic (1 of 4 stars; one submission).

Submission:

Labcorp Genetics (formerly Invitae), Labcorp
Classification: Likely pathogenic. Last evaluated: 2024-10-07. Review status: criteria provided, single submitter. Criteria: Invitae Variant Classification Sherloc (09022015). Collection method: clinical testing. Allele origin: germline.
Comment: This sequence change falls in intron 17 of the COL4A5 gene. It does not directly change the encoded amino acid sequence of the COL4A5 protein. This variant is not present in population databases (gnomAD no frequency). This variant has been observed in individuals with clinical features of Alport syndrome (PMID: 34774011; internal data). ClinVar contains an entry for this variant (Variation ID: 1484602). Algorithms developed to predict the effect of sequence changes on RNA splicing suggest that this variant may disrupt the consensus splice site. In summary, the currently available evidence indicates that the variant is pathogenic, but additional data are needed to prove that conclusively. Therefore, this variant has been classified as Likely Pathogenic.

Literature cited by the submitters: PubMed 34774011.